The following is an entry in ClinVar:

ClinVar aggregate classification (germline): Conflicting classifications of pathogenicity. Review status: criteria provided, conflicting classifications (1 of 4 stars). 2 submissions from 2 submitters: Uncertain significance (1); Likely benign (1). Last evaluated 2024-06-04.

Conditions:
Hereditary cancer-predisposing syndrome. Also called: Tumor predisposition; Hereditary Cancer Syndrome; Hereditary neoplastic syndrome; Neoplastic Syndromes, Hereditary. Identifiers: Orphanet 140162, MedGen C0027672, MeSH D009386, MONDO:0015356.
Retinoblastoma (RB1). Also called: RETINOBLASTOMA, SOMATIC. Identifiers: Orphanet 790, MedGen C0035335, MeSH D012175, MONDO:0008380, OMIM 180200, HP:0009919. Disease mechanism: loss of function. Inheritance: Both sporadic and heritable forms are tested..

Submissions (2):

Ambry Genetics
Classification: Likely benign for Hereditary cancer-predisposing syndrome. Last evaluated: 2024-06-04. Review status: criteria provided, single submitter. Criteria: Ambry Variant Classification Scheme 2023. Collection method: clinical testing. Allele origin: germline.

Labcorp Genetics (formerly Invitae), Labcorp
Classification: Uncertain significance for Retinoblastoma. Last evaluated: 2022-11-03. Review status: criteria provided, single submitter. Criteria: Invitae Variant Classification Sherloc (09022015). Collection method: clinical testing. Allele origin: germline.
Comment: Advanced modeling of protein sequence and biophysical properties (such as structural, functional, and spatial information, amino acid conservation, physicochemical variation, residue mobility, and thermodynamic stability) performed at Invitae indicates that this missense variant is not expected to disrupt RB1 protein function. This variant is not present in population databases (gnomAD no frequency). This variant has not been reported in the literature in individuals affected with RB1-related conditions. ClinVar contains an entry for this variant (Variation ID: 1467037). In summary, the available evidence is currently insufficient to determine the role of this variant in disease. Therefore, it has been classified as a Variant of Uncertain Significance. This sequence change replaces asparagine, which is neutral and polar, with serine, which is neutral and polar, at codon 269 of the RB1 protein (p.Asn269Ser).

NM_000321.3(RB1):c.806A>G (p.Asn269Ser)

Gene: RB1 (RB transcriptional corepressor 1; plus strand). Cytogenetic location: 13q14.2.
Variant type: single nucleotide variant.
Coding change: c.806A>G on transcript NM_000321.3 (MANE Select); coding-DNA position 806, A replaced by G.
Protein change: p.Asn269Ser; replaces asparagine 269 with serine.
Molecular consequence: missense variant.
Genome position (GRCh38, 1-based): chr13:48,362,902, A>G. VCF-style: chr13-48362902-A-G. GRCh37 (hg19) VCF-style: chr13-48937038-A-G.
Other names: c.806A>G (NM_000321.2); short protein forms N269S.
Identifiers: ClinVar variation 1467037 (VCV001467037.9), dbSNP rs1952656398, ClinGen allele CA388159507.
Genomic context (GRCh38, chr13:48,362,902, plus strand): 5'-CACCTCGAACACCCAGGCGAGGTCAGAACAGGAGTGCACGGATAGCAAAACAACTAGAAA[A>G]TGATACAAGAATTATTGAAGTTCTCTGTAAAGAACATGAATGTAATATAGATGAGGTAAT-3'
Protein context (NP_000312.2, residues 259-279): RSARIAKQLE[Asn269Ser]DTRIIEVLCK